The following is an entry in ClinVar:

ClinVar aggregate classification (germline): Uncertain significance. Review status: criteria provided, multiple submitters, no conflicts (2 of 4 stars). 2 submissions from 2 submitters: Uncertain significance (2). Last evaluated 2024-03-20.

Conditions:
Cone-rod dystrophy 20 (CORD20). Identifiers: Orphanet 1872, MedGen C4014856, MONDO:0014427, OMIM 615973.

Allele frequency attached by ClinVar (database versions not stated): TOPMed below 0.00001; ExAC 0.00001; gnomAD 0.00001; gnomAD exomes 0.00001.
gnomAD v4.1: 8 of 1,613,418 alleles (0.0005%); highest among the groups gnomAD compares: Admixed American, 0.0033%; no homozygotes.

Submissions (2):

Fulgent Genetics
Classification: Uncertain significance for Cone-rod dystrophy 20. Last evaluated: 2024-03-20. Review status: criteria provided, single submitter. Criteria: ACMG Guidelines, 2015. Collection method: clinical testing. Allele origin: germline.

Labcorp Genetics (formerly Invitae), Labcorp
Classification: Uncertain significance. Last evaluated: 2022-08-22. Review status: criteria provided, single submitter. Criteria: Invitae Variant Classification Sherloc (09022015). Collection method: clinical testing. Allele origin: germline.
Comment: This variant has not been reported in the literature in individuals affected with POC1B-related conditions. This variant is present in population databases (rs780295968, gnomAD no frequency). This sequence change replaces glycine, which is neutral and non-polar, with serine, which is neutral and polar, at codon 16 of the POC1B protein (p.Gly16Ser). Algorithms developed to predict the effect of missense changes on protein structure and function (SIFT, PolyPhen-2, Align-GVGD) all suggest that this variant is likely to be disruptive. In summary, the available evidence is currently insufficient to determine the role of this variant in disease. Therefore, it has been classified as a Variant of Uncertain Significance.

NM_172240.3(POC1B):c.46G>A (p.Gly16Ser)

Genes: POC1B (POC1 centriolar protein B; minus strand), POC1B-DUSP6 (POC1B-DUSP6 readthrough; minus strand), POC1B-GALNT4 (POC1B-GALNT4 readthrough; minus strand), LOC130008356 (ATAC-STARR-seq lymphoblastoid silent region 4693; plus strand). Cytogenetic location: 12q21.33.
Variant type: single nucleotide variant.
Coding change: c.46G>A on transcript NM_172240.3 (MANE Select); coding-DNA position 46, G replaced by A.
Protein change: p.Gly16Ser; replaces glycine 16 with serine.
Molecular consequence: missense variant. On other transcripts: synonymous variant (1), 5 prime UTR variant (1), non-coding transcript variant (2).
Genome position (GRCh38, 1-based): chr12:89,525,174, C>T on the plus strand (G>A on the coding strand, the complement: POC1B is on the minus strand). VCF-style: chr12-89525174-C-T. GRCh37 (hg19) VCF-style: chr12-89918951-C-T.
Other names: c.46G>A, p.Gly16Ser (NM_001199781.2); c.306G>A, p.Lys102= (NM_001199782.1); c.-81G>A (NM_001199777.2); short protein forms G16S.
Identifiers: ClinVar variation 1949676 (VCV001949676.4), dbSNP rs780295968, ClinGen allele CA6714993.
Genomic context (GRCh38, chr12:89,525,174, plus strand): 5'-ACTTACCAAGTTGCTTGCCGTTGGGGCTGAGGTCCAAGGAGGTGATCGCAGCTTTGTGGC[C>T]TTTGAAATAACGCTCCAGAACGGGGTCCTCCTGGAAAGGAAAGTTGTCAAGTTTTGAAAG-3'
Protein context (NP_758440.1, residues 6-26): EDPVLERYFK[Gly16Ser]HKAAITSLDL